The following is an entry in ClinVar:

ClinVar aggregate classification (germline): Uncertain significance. Review status: criteria provided, single submitter (1 of 4 stars). 2 submissions from 2 submitters: Uncertain significance (1). 1 of the submissions does not count toward it. Last evaluated 2024-11-19.

Conditions:
KIDINS220-related disorder. Also called: KIDINS220-related condition.

Allele frequency attached by ClinVar (database versions not stated): gnomAD exomes 0.00001; TOPMed 0.00001; gnomAD 0.00003; ExAC 0.00004.
gnomAD v4.1: 26 of 1,613,878 alleles (0.0016%); highest among the groups gnomAD compares: Middle Eastern, 0.017%; no homozygotes.

Submissions (2):

Labcorp Genetics (formerly Invitae), Labcorp
Classification: Uncertain significance. Last evaluated: 2024-11-19. Review status: criteria provided, single submitter. Criteria: Invitae Variant Classification Sherloc (09022015). Collection method: clinical testing. Allele origin: germline.
Comment: This sequence change replaces alanine, which is neutral and non-polar, with valine, which is neutral and non-polar, at codon 1091 of the KIDINS220 protein (p.Ala1091Val). This variant is present in population databases (rs749977475, gnomAD 0.02%). This variant has not been reported in the literature in individuals affected with KIDINS220-related conditions. ClinVar contains an entry for this variant (Variation ID: 1981705). An algorithm developed to predict the effect of missense changes on protein structure and function (PolyPhen-2) suggests that this variant¬†is likely to be tolerated. In summary, the available evidence is currently insufficient to determine the role of this variant in disease. Therefore, it has been classified as a Variant of Uncertain Significance.

PreventionGenetics, part of Exact Sciences
Classification: Uncertain significance for KIDINS220-related condition. Last evaluated: 2024-07-16. Review status: no assertion criteria provided. Collection method: clinical testing. Allele origin: germline. Not counted in ClinVar's aggregate classification.
Comment: The KIDINS220 c.3272C>T variant is predicted to result in the amino acid substitution p.Ala1091Val. To our knowledge, this variant has not been reported in the literature. This variant is reported in 0.024% of alleles in individuals of European (Finnish) descent in gnomAD. At this time, the clinical significance of this variant is uncertain due to the absence of conclusive functional and genetic evidence.

NM_020738.4(KIDINS220):c.3272C>T (p.Ala1091Val)

Gene: KIDINS220 (kinase D interacting substrate 220; minus strand). Cytogenetic location: 2p25.1.
Variant type: single nucleotide variant.
Coding change: c.3272C>T on transcript NM_020738.4 (MANE Select); coding-DNA position 3272, C replaced by T.
Protein change: p.Ala1091Val; replaces alanine 1091 with valine.
Molecular consequence: missense variant. On other transcripts: non-coding transcript variant (2).
Genome position (GRCh38, 1-based): chr2:8,750,254, G>A on the plus strand (C>T on the coding strand, the complement: KIDINS220 is on the minus strand). VCF-style: chr2-8750254-G-A. GRCh37 (hg19) VCF-style: chr2-8890384-G-A.
Other names: c.3275C>T, p.Ala1092Val (NM_001348729.2, NM_001348731.2, NM_001348734.2 and 2 more transcripts); c.3272C>T, p.Ala1091Val (NM_001348732.2, NM_001348735.2, NM_001348738.2 and 3 more transcripts); c.3146C>T, p.Ala1049Val (NM_001348736.2); c.3272C>T (NM_020738.2); short protein forms A1091V, A1049V, A1092V.
Identifiers: ClinVar variation 1981705 (VCV001981705.5), dbSNP rs749977475, ClinGen allele CA1519713.